The following is an entry in ClinVar:

ClinVar aggregate classification (germline): Uncertain significance (1 of 4 stars; one submission).

Conditions:
Symmetrical dyschromatosis of extremities (DSH). Also called: RETICULATE ACROPIGMENTATION OF DOHI; SYMMETRIC DYSCHROMATOSIS OF THE EXTREMITIES; DYSCHROMATOSIS SYMMETRICA HEREDITARIA 1; Dyschromatosis symmetrica hereditaria. Identifiers: Orphanet 41, MedGen C0406775, MONDO:0007483, OMIM 127400.
Aicardi-Goutieres syndrome 6 (AGS6). Identifiers: Orphanet 51, MedGen C3539013, MONDO:0014007, OMIM 615010.

Allele frequency attached by ClinVar (database versions not stated): gnomAD exomes below 0.00001; gnomAD 0.00001.
gnomAD v4.1: 2 of 1,608,188 alleles (0.00012%); highest among the groups gnomAD compares: Non-Finnish European, 0.00017%; no homozygotes.

Submission:

Labcorp Genetics (formerly Invitae), Labcorp
Classification: Uncertain significance for Aicardi-Goutieres syndrome 6; Symmetrical dyschromatosis of extremities. Last evaluated: 2023-07-03. Review status: criteria provided, single submitter. Criteria: Invitae Variant Classification Sherloc (09022015). Collection method: clinical testing. Allele origin: germline.
Comment: An algorithm developed to predict the effect of missense changes on protein structure and function (PolyPhen-2) suggests that this variant is likely to be tolerated. In summary, the available evidence is currently insufficient to determine the role of this variant in disease. Therefore, it has been classified as a Variant of Uncertain Significance. This variant has not been reported in the literature in individuals affected with ADAR-related conditions. This sequence change replaces histidine, which is basic and polar, with arginine, which is basic and polar, at codon 98 of the ADAR protein (p.His98Arg). This variant is present in population databases (no rsID available, gnomAD 0.007%).

NM_001111.5(ADAR):c.293A>G (p.His98Arg)

Gene: ADAR (adenosine deaminase RNA specific; minus strand). Cytogenetic location: 1q21.3.
Variant type: single nucleotide variant.
Coding change: c.293A>G on transcript NM_001111.5 (MANE Select); coding-DNA position 293, A replaced by G.
Protein change: p.His98Arg; replaces histidine 98 with arginine.
Molecular consequence: missense variant. On other transcripts: 5 prime UTR variant (3), intron variant (3).
Genome position (GRCh38, 1-based): chr1:154,602,349, T>C on the plus strand (A>G on the coding strand, the complement: ADAR is on the minus strand). VCF-style: chr1-154602349-T-C. GRCh37 (hg19) VCF-style: chr1-154574825-T-C.
Other names: c.-593A>G (NM_001025107.3, NM_001193495.2, NM_001365048.1); c.320A>G, p.His107Arg (NM_001365045.1); c.293A>G, p.His98Arg (NM_015840.4, NM_015841.4); c.-493+36A>G (NM_001365046.1, NM_001365049.1, NM_001365047.1); short protein forms H107R, H98R.
Identifiers: ClinVar variation 2939649 (VCV002939649.3), dbSNP rs1394360191, ClinGen allele CA342604884.
Genomic context (GRCh38, chr1:154,602,349, plus strand): 5'-AGACTCCTGCCACGTGGTGAAGGATGCTGGAACCCTCTCTGGAGCCCCTGACTTCTGAGA[T>C]GCACGCCCCTGGGGACACCCCTGATGTCCACTTGCCTGCCTCTGGTACTGGAGGCAAGTA-3'
Protein context (NP_001102.3, residues 88-108): VDIRGVPRGV[His98Arg]LRSQGLQRGF